The following is an entry in ClinVar:

NM_025137.4(SPG11):c.2356G>T (p.Glu786Ter)

Gene: SPG11 (SPG11 vesicle trafficking associated, spatacsin; minus strand). Cytogenetic location: 15q21.1.
Variant type: single nucleotide variant.
Coding change: c.2356G>T on transcript NM_025137.4 (MANE Select); coding-DNA position 2356, G replaced by T.
Protein change: p.Glu786Ter; replaces glutamic acid 786 with a stop codon.
Molecular consequence: nonsense.
Genome position (GRCh38, 1-based): chr15:44,622,308, C>A on the plus strand (G>T on the coding strand, the complement: SPG11 is on the minus strand). VCF-style: chr15-44622308-C-A. GRCh37 (hg19) VCF-style: chr15-44914506-C-A.
Other names: c.2356G>T, p.Glu786Ter (NM_001160227.2, NM_001411132.1); short protein forms E786*.
Identifiers: ClinVar variation 2880315 (VCV002880315.3), dbSNP rs2505558480, ClinGen allele CA392232015.

ClinVar aggregate classification (germline): Pathogenic (1 of 4 stars; one submission).

Conditions:
Hereditary spastic paraplegia 11. Also called: Nakamura Osame syndrome; Autosomal recessive hereditary spastic paraplegia, mental impairment, and thin corpus callosum; Spastic paraplegia, mental retardation and thin corpus callosum; Spastic Paraplegia 11; SPASTIC PARAPLEGIA, AUTOSOMAL RECESSIVE, COMPLICATED, WITH THIN CORPUS CALLOSUM; SPASTIC PARAPLEGIA, AUTOSOMAL RECESSIVE, WITH MENTAL IMPAIRMENT AND THIN CORPUS CALLOSUM. Identifiers: Orphanet 2822, MedGen C1858479, MONDO:0011445, OMIM 604360.

Submission:

Labcorp Genetics (formerly Invitae), Labcorp
Classification: Pathogenic for Hereditary spastic paraplegia 11. Last evaluated: 2023-10-15. Review status: criteria provided, single submitter. Criteria: Invitae Variant Classification Sherloc (09022015). Collection method: clinical testing. Allele origin: germline.
Comment: This sequence change creates a premature translational stop signal (p.Glu786*) in the SPG11 gene. It is expected to result in an absent or disrupted protein product. Loss-of-function variants in SPG11 are known to be pathogenic (PMID: 19105190, 20110243, 22154821, 26556829). This variant is not present in population databases (gnomAD no frequency). This variant has not been reported in the literature in individuals affected with SPG11-related conditions. Algorithms developed to predict the effect of sequence changes on RNA splicing suggest that this variant may disrupt the consensus splice site. For these reasons, this variant has been classified as Pathogenic.

Literature cited by the submitters: PubMed 19105190; PubMed 20110243; PubMed 22154821; PubMed 26556829.